The following is an entry in ClinVar:

NM_020975.6(RET):c.1738A>G (p.Ile580Val)

Gene: RET (ret proto-oncogene; plus strand). Cytogenetic location: 10q11.21.
Variant type: single nucleotide variant.
Coding change: c.1738A>G on transcript NM_020975.6 (MANE Select); coding-DNA position 1738, A replaced by G.
Protein change: p.Ile580Val; replaces isoleucine 580 with valine.
Molecular consequence: missense variant.
Genome position (GRCh38, 1-based): chr10:43,112,942, A>G. VCF-style: chr10-43112942-A-G. GRCh37 (hg19) VCF-style: chr10-43608390-A-G.
Other names: c.1738A>G, p.Ile580Val (NM_000323.2, NM_001406743.1, NM_001406744.1 and 6 more transcripts); c.976A>G, p.Ile326Val (NM_001355216.2); c.1609A>G, p.Ile537Val (NM_001406761.1, NM_001406762.1, NM_001406764.1 and 1 more transcripts); c.1450A>G, p.Ile484Val (NM_001406766.1, NM_001406767.1, NM_001406770.1); c.1012A>G, p.Ile338Val (NM_001406778.1, NM_001406775.1, NM_001406776.1 and 1 more transcripts); c.841A>G, p.Ile281Val (NM_001406779.1, NM_001406780.1, NM_001406781.1 and 3 more transcripts); c.712A>G, p.Ile238Val (NM_001406783.1, NM_001406786.1); c.748A>G, p.Ile250Val (NM_001406784.1); and 5 more; short protein forms I185V, I250V, I281V, I434V, I97V, I238V, I326V, I338V.
Identifiers: ClinVar variation 2763351 (VCV002763351.3), dbSNP rs2132816741, ClinGen allele CA376552137.

ClinVar aggregate classification (germline): Uncertain significance (1 of 4 stars; one submission).

Conditions:
Multiple endocrine neoplasia, type 2 (MEN2). Identifiers: Orphanet 653, MedGen C4048306, MONDO:0019003. Disease mechanism: gain of function.

Allele frequency attached by ClinVar (database versions not stated): gnomAD exomes below 0.00001.

Submission:

Labcorp Genetics (formerly Invitae), Labcorp
Classification: Uncertain significance for Multiple endocrine neoplasia, type 2. Last evaluated: 2023-09-26. Review status: criteria provided, single submitter. Criteria: Invitae Variant Classification Sherloc (09022015). Collection method: clinical testing. Allele origin: germline.
Comment: This sequence change replaces isoleucine, which is neutral and non-polar, with valine, which is neutral and non-polar, at codon 580 of the RET protein (p.Ile580Val). This variant is not present in population databases (gnomAD no frequency). This variant has not been reported in the literature in individuals affected with RET-related conditions. An algorithm developed to predict the effect of missense changes on protein structure and function (PolyPhen-2) suggests that this variant is likely to be tolerated. In summary, the available evidence is currently insufficient to determine the role of this variant in disease. Therefore, it has been classified as a Variant of Uncertain Significance.